The following is an entry in ClinVar:

NM_000363.5(TNNI3):c.481del (p.Ala161fs)

Gene: TNNI3 (troponin I3, cardiac type; minus strand). Cytogenetic location: 19q13.42.
Variant type: Deletion.
Coding change: c.481del on transcript NM_000363.5 (MANE Select); coding-DNA position 481, one base deleted (G; older notation c.481delG).
Protein change: p.Ala161fs; shifts the reading frame from alanine 161.
Molecular consequence: frameshift variant.
Genome position (GRCh38, 1-based): chr19:55,154,098, C deleted on the plus strand (G on the coding strand, the reverse complement: TNNI3 is on the minus strand); the first of 5 consecutive C bases (chr19:55,154,098-55,154,102); deleting any one gives the same sequence. VCF-style (leftmost placement, unchanged base first): chr19-55154097-GC-G. GRCh37 (hg19) VCF-style: chr19-55665465-GC-G.
Other names: short protein forms A161fs.
Identifiers: ClinVar variation 1023671 (VCV001023671.6), dbSNP rs1568858158, ClinGen allele CA2343273754.
Genomic context (GRCh38, chr19:55,154,097, plus strand): 5'-GTGTCCTCCTTCTTCACCTGCTTGAGGTGGGCCCGCAGGTCCAGGGACTCCTTAGCCCGG[GC>G]CCCCAGCAGCGCCTGCATCATGGCATCTGCAGAGATCCTCACTCTCCGCAGGGTGGGCCG-3'

ClinVar aggregate classification (germline): Uncertain significance (1 of 4 stars; one submission).

Conditions:
Hypertrophic cardiomyopathy. Also called: HYPERTROPHIC MYOCARDIOPATHY. Identifiers: Orphanet 217569, MedGen C0007194, MeSH D002312, MONDO:0005045, HP:0001639.

Submission:

Labcorp Genetics (formerly Invitae), Labcorp
Classification: Uncertain significance for Hypertrophic cardiomyopathy. Last evaluated: 2022-07-19. Review status: criteria provided, single submitter. Criteria: Invitae Variant Classification Sherloc (09022015). Collection method: clinical testing. Allele origin: germline.
Comment: This sequence change creates a premature translational stop signal (p.Ala161Profs*16) in the TNNI3 gene. While this is not anticipated to result in nonsense mediated decay, it is expected to disrupt the last 50 amino acid(s) of the TNNI3 protein. In summary, the available evidence is currently insufficient to determine the role of this variant in disease. Therefore, it has been classified as a Variant of Uncertain Significance. Experimental studies and prediction algorithms are not available or were not evaluated, and the functional significance of this variant is currently unknown. ClinVar contains an entry for this variant (Variation ID: 1023671). This variant has not been reported in the literature in individuals affected with TNNI3-related conditions. This variant is not present in population databases (gnomAD no frequency).